The following is an entry in ClinVar:

ClinVar aggregate classification (germline): Uncertain significance (1 of 4 stars; one submission).

Conditions:
CHARGE syndrome (CHARGE). Also called: Hittner Hirsch Kreh syndrome; CHARGE ASSOCIATION--COLOBOMA, HEART ANOMALY, CHOANAL ATRESIA, RETARDATION, GENITAL AND EAR ANOMALIES; Coloboma, heart anomaly, choanal atresia, retardation, genital and ear anomalies; CHARGE association; Hall-Hittner syndrome. Identifiers: Orphanet 138, MedGen C0265354, MONDO:0008965.

Allele frequency attached by ClinVar (database versions not stated): gnomAD exomes below 0.00001.
gnomAD v4.1: 1 of 1,613,532 alleles (0.000062%); highest among the groups gnomAD compares: Non-Finnish European, 0.000085%; no homozygotes.

Submission:

MVZ Medizinische Genetik Mainz
Classification: Uncertain significance for CHD7-related CHARGE syndrome. Last evaluated: 2023-11-23. Review status: criteria provided, single submitter. Criteria: UK Practice Guidelines For Variant Classification V4 01 2020. Collection method: clinical testing. Allele origin: germline. Inheritance: Autosomal dominant inheritance. Affected: yes. Observed: 1 variant allele.
Comment: ACMG Criteria: PP3_MOD,PM2_SUP,PP2

NM_017780.4(CHD7):c.5423C>T (p.Ser1808Phe)

Gene: CHD7 (chromodomain helicase DNA binding protein 7; plus strand). Cytogenetic location: 8q12.2.
Variant type: single nucleotide variant.
Coding change: c.5423C>T on transcript NM_017780.4 (MANE Select); coding-DNA position 5423, C replaced by T.
Protein change: p.Ser1808Phe; replaces serine 1808 with phenylalanine.
Molecular consequence: missense variant. On other transcripts: intron variant (1).
Genome position (GRCh38, 1-based): chr8:60,850,511, C>T. VCF-style: chr8-60850511-C-T. GRCh37 (hg19) VCF-style: chr8-61763070-C-T.
Other names: c.1717-11718C>T (NM_001316690.1); short protein forms S1808F.
Identifiers: ClinVar variation 3236077 (VCV003236077.1), dbSNP rs2488014937, ClinGen allele CA371321520.